The following is an entry in ClinVar:

NM_001430.5(EPAS1):c.1178T>G (p.Leu393Arg)

Gene: EPAS1 (endothelial PAS domain protein 1; plus strand). Cytogenetic location: 2p21.
Variant type: single nucleotide variant.
Coding change: c.1178T>G on transcript NM_001430.5 (MANE Select); coding-DNA position 1178, T replaced by G.
Protein change: p.Leu393Arg; replaces leucine 393 with arginine.
Molecular consequence: missense variant.
Genome position (GRCh38, 1-based): chr2:46,376,682, T>G. VCF-style: chr2-46376682-T-G. GRCh37 (hg19) VCF-style: chr2-46603821-T-G.
Other names: short protein forms L393R.
Identifiers: ClinVar variation 1741353 (VCV001741353.2), dbSNP rs1684755946, ClinGen allele CA346703356.
Genomic context (GRCh38, chr2:46,376,682, plus strand): 5'-TCTTTGATAGCAGTGGCAAGGGGGCTGTGTCTGAGAAGAGTAACTTCCTATTCACCAAGC[T>G]AAAGGAGGAGCCCGAGGAGCTGGCCCAGCTGGCTCCCACCCCAGGAGACGCCATCATCTC-3'
Protein context (NP_001421.2, residues 383-403): SEKSNFLFTK[Leu393Arg]KEEPEELAQL

ClinVar aggregate classification (germline): Uncertain significance (1 of 4 stars; one submission).

Conditions:
Inborn genetic diseases. Identifiers: MedGen C0950123, MeSH D030342.

Allele frequency attached by ClinVar (database versions not stated): TOPMed 0.00001.

Submission:

Ambry Genetics
Classification: Uncertain significance for Inborn genetic diseases. Last evaluated: 2022-05-09. Review status: criteria provided, single submitter. Criteria: Ambry Variant Classification Scheme 2023. Collection method: clinical testing. Allele origin: germline.
Comment: The p.L393R variant (also known as c.1178T>G), located in coding exon 9 of the EPAS1 gene, results from a T to G substitution at nucleotide position 1178. The leucine at codon 393 is replaced by arginine, an amino acid with dissimilar properties. This amino acid position is conserved. In addition, this alteration is predicted to be deleterious by in silico analysis. Since supporting evidence is limited at this time, the clinical significance of this alteration remains unclear.